The following is an entry in ClinVar:

ClinVar aggregate classification (germline): Uncertain significance (1 of 4 stars; one submission).

Allele frequency attached by ClinVar (database versions not stated): ExAC 0.00001.
gnomAD v4.1: 6 of 1,612,206 alleles (0.00037%); highest among the groups gnomAD compares: Admixed American, 0.0017%; no homozygotes.

Submission:

Labcorp Genetics (formerly Invitae), Labcorp
Classification: Uncertain significance. Last evaluated: 2022-03-04. Review status: criteria provided, single submitter. Criteria: Invitae Variant Classification Sherloc (09022015). Collection method: clinical testing. Allele origin: germline.
Comment: In summary, the available evidence is currently insufficient to determine the role of this variant in disease. Therefore, it has been classified as a Variant of Uncertain Significance. Algorithms developed to predict the effect of missense changes on protein structure and function are either unavailable or do not agree on the potential impact of this missense change (SIFT: "Deleterious"; PolyPhen-2: "Not Available"; Align-GVGD: "Class C15"). This variant has not been reported in the literature in individuals affected with CYFIP2-related conditions. This variant is present in population databases (rs755280890, gnomAD 0.003%). This sequence change replaces glutamic acid, which is acidic and polar, with lysine, which is basic and polar, at codon 1076 of the CYFIP2 protein (p.Glu1076Lys).

NM_001037333.3(CYFIP2):c.3226G>A (p.Glu1076Lys)

Genes: CYFIP2 (cytoplasmic FMR1 interacting protein 2; plus strand), NIPAL4-DT (NIPAL4 divergent transcript; minus strand). Cytogenetic location: 5q33.3.
Variant type: single nucleotide variant.
Coding change: c.3226G>A on transcript NM_001037333.3 (MANE Select); coding-DNA position 3226, G replaced by A.
Protein change: p.Glu1076Lys; replaces glutamic acid 1076 with lysine.
Molecular consequence: missense variant.
Genome position (GRCh38, 1-based): chr5:157,389,207, G>A. VCF-style: chr5-157389207-G-A. GRCh37 (hg19) VCF-style: chr5-156816215-G-A.
Other names: c.3148G>A, p.Glu1050Lys (NM_001291721.2); c.3301G>A, p.Glu1101Lys (NM_001291722.2); c.3226G>A, p.Glu1076Lys (NM_014376.4); short protein forms E1076K, E1050K, E1101K.
Identifiers: ClinVar variation 2106131 (VCV002106131.4), dbSNP rs755280890, ClinGen allele CA3534321.
Genomic context (GRCh38, chr5:157,389,207, plus strand): 5'-CTAAGATGTGGATAGAAGGTGTATGTGCCCTTCTGTTTCCAGCAAATCGCCATTGCTCGC[G>A]AGGGTGACCTCCTGACCAAGGAGCGGCTGTGCTGTGGCCTGTCCATGTTCGAGGTCATCC-3'
Protein context (NP_001032410.1, residues 1066-1086): GTPQQIAIAR[Glu1076Lys]GDLLTKERLC